The following is an entry in ClinVar:

NM_022072.5(NSUN3):c.132A>G (p.Leu44=)

Gene: NSUN3 (NOP2/Sun RNA methyltransferase 3; plus strand). Cytogenetic location: 3q11.2.
Variant type: single nucleotide variant.
Coding change: c.132A>G on transcript NM_022072.5 (MANE Select); coding-DNA position 132, A replaced by G.
Protein change: p.Leu44=; no amino-acid change (leucine 44 retained).
Molecular consequence: synonymous variant.
Genome position (GRCh38, 1-based): chr3:94,084,116, A>G. VCF-style: chr3-94084116-A-G. GRCh37 (hg19) VCF-style: chr3-93802960-A-G.
Identifiers: ClinVar variation 3049091 (VCV003049091.3), dbSNP rs2077282211, ClinGen allele CA434644488.
Genomic context (GRCh38, chr3:94,084,116, plus strand): 5'-TTGGTATGTATCATATTAATATTCTCTTATTTTCTCTTTTTCTATTTCTAGGGAGATACT[A>G]ACATCTCCATCATGCTGGCAATATGCTGTCCTGCTTAACCGATTCAATTATCCTTTTGAA-3'
Protein context (NP_071355.1, residues 34-54): GDAWNTVREI[Leu44=]TSPSCWQYAV

ClinVar aggregate classification (germline): Likely benign. Review status: criteria provided, single submitter (1 of 4 stars). 2 submissions from 2 submitters: Likely benign (1). 1 of the submissions does not count toward it. Last evaluated 2026-01-27.

Conditions:
NSUN3-related disorder. Also called: NSUN3-related condition.

Allele frequency attached by ClinVar (database versions not stated): TOPMed 0.00001.

Submissions (2):

Labcorp Genetics (formerly Invitae), Labcorp
Classification: Likely benign. Last evaluated: 2026-01-27. Review status: criteria provided, single submitter. Criteria: Invitae Variant Classification Sherloc (09022015). Collection method: clinical testing. Allele origin: germline.

PreventionGenetics, part of Exact Sciences
Classification: Likely benign for NSUN3-related condition. Last evaluated: 2019-12-24. Review status: no assertion criteria provided. Collection method: clinical testing. Allele origin: germline. Not counted in ClinVar's aggregate classification.
Comment: This variant is classified as likely benign based on ACMG/AMP sequence variant interpretation guidelines (Richards et al. 2015 PMID: 25741868, with internal and published modifications).